The following is an entry in ClinVar:

ClinVar aggregate classification (germline): Likely benign. Review status: criteria provided, multiple submitters, no conflicts (2 of 4 stars). 2 submissions from 2 submitters: Likely benign (2). Last evaluated 2025-09-24.

Conditions:
Marfan syndrome (MFS). Also called: MARFAN SYNDROME, TYPE I; Marfan syndrome type 1; Marfan's syndrome; FBN1-Related Marfan Syndrome; Marfan syndrome, classic. Identifiers: Orphanet 284963, Orphanet 558, MedGen C0024796, MONDO:0007947, OMIM 154700.
Familial thoracic aortic aneurysm and aortic dissection (TAAD). Also called: Thoracic aortic aneurysms and dissections. Identifiers: Orphanet 91387, MedGen C4707243, MONDO:0019625.

Submissions (2):

Labcorp Genetics (formerly Invitae), Labcorp
Classification: Likely benign for Marfan syndrome; Familial thoracic aortic aneurysm and aortic dissection. Last evaluated: 2025-09-24. Review status: criteria provided, single submitter. Criteria: Invitae Variant Classification Sherloc (09022015). Collection method: clinical testing. Allele origin: germline.

All of Us Research Program, National Institutes of Health
Classification: Likely benign for Marfan syndrome. Last evaluated: 2024-05-14. Review status: criteria provided, single submitter. Criteria: ACMG Guidelines, 2015. Collection method: clinical testing. Allele origin: germline. Inheritance: Autosomal dominant inheritance. Observed: 2 variant alleles, 2 heterozygotes.
Comment: This study involves interpretation of variants in research participants for the purpose of population health screening. Participant phenotype was not available at the time of variant classification. Additional details can be found in publication PMID: 35346344, PMCID: PMC8962531

NM_000138.5(FBN1):c.7944C>T (p.Asp2648=)

Gene: FBN1 (fibrillin 1; minus strand). Cytogenetic location: 15q21.1.
Variant type: single nucleotide variant.
Coding change: c.7944C>T on transcript NM_000138.5 (MANE Select); coding-DNA position 7944, C replaced by T.
Protein change: p.Asp2648=; no amino-acid change (aspartic acid 2648 retained).
Molecular consequence: synonymous variant.
Genome position (GRCh38, 1-based): chr15:48,415,643, G>A on the plus strand (C>T on the coding strand, the complement: FBN1 is on the minus strand). VCF-style: chr15-48415643-G-A. GRCh37 (hg19) VCF-style: chr15-48707840-G-A.
Other names: c.7944C>T, p.Asp2648= (NM_001406716.1).
Identifiers: ClinVar variation 3386752 (VCV003386752.2).